The following is an entry in ClinVar:

ClinVar aggregate classification (germline): Uncertain significance. Review status: criteria provided, multiple submitters, no conflicts (2 of 4 stars). 3 submissions from 3 submitters: Uncertain significance (2). 1 of the submissions does not count toward it. Last evaluated 2025-09-14.

Conditions:
Schinzel-Giedion syndrome (SGS). Identifiers: Orphanet 798, MedGen C0265227, MONDO:0010010, OMIM 269150.
SETBP1-related disorder. Also called: SETBP1-related condition; SETBP1-related disorders.

gnomAD v4.1: 2 of 1,614,112 alleles (0.00012%); highest among the groups gnomAD compares: Admixed American, 0.0017%; no homozygotes.

Submissions (3):

PreventionGenetics, part of Exact Sciences
Classification: Uncertain significance for SETBP1-related condition. Last evaluated: 2025-09-14. Review status: criteria provided, single submitter. Criteria: ACMG Guidelines, 2015. Collection method: clinical testing. Allele origin: germline.
Comment: The SETBP1 c.2959C>T variant is predicted to result in the amino acid substitution p.Arg987Trp. To our knowledge, this variant has not been reported in the literature. This variant is reported in 0.0029% of alleles in individuals of Latino descent in gnomAD. At this time, the clinical significance of this variant is uncertain due to the absence of conclusive functional and genetic evidence.

GeneDx
Classification: Uncertain significance. Last evaluated: 2024-04-16. Review status: criteria provided, single submitter. Criteria: GeneDx Variant Classification Process June 2021. Collection method: clinical testing. Allele origin: germline. Affected: yes.
Comment: In silico analysis supports that this missense variant has a deleterious effect on protein structure/function; Has not been previously published as pathogenic or benign to our knowledge

Clinical Genetics Laboratory, University Hospital Schleswig-Holstein
Classification: Uncertain significance for Schinzel-Giedion syndrome. Last evaluated: 2024-04-16. Review status: no assertion criteria provided. Collection method: clinical testing. Allele origin: germline. Affected: yes. Not counted in ClinVar's aggregate classification.

NM_015559.3(SETBP1):c.2959C>T (p.Arg987Trp)

Gene: SETBP1 (SET binding protein 1; plus strand). Cytogenetic location: 18q12.3.
Variant type: single nucleotide variant.
Coding change: c.2959C>T on transcript NM_015559.3 (MANE Select); coding-DNA position 2959, C replaced by T.
Protein change: p.Arg987Trp; replaces arginine 987 with tryptophan.
Molecular consequence: missense variant.
Genome position (GRCh38, 1-based): chr18:44,952,299, C>T. VCF-style: chr18-44952299-C-T. GRCh37 (hg19) VCF-style: chr18-42532264-C-T.
Other names: c.2959C>T, p.Arg987Trp (NM_001379141.1, NM_001379142.1, NM_001410862.1); short protein forms R987W.
Identifiers: ClinVar variation 2446532 (VCV002446532.4), dbSNP rs767152507, ClinGen allele CA402322762.